The following is an entry in ClinVar:

NM_019892.6(INPP5E):c.401_403delinsTTT (p.Ser134_Thr135delinsIleSer)

Gene: INPP5E (inositol polyphosphate-5-phosphatase E; minus strand). Cytogenetic location: 9q34.3.
Variant type: Indel.
Coding change: c.401_403delinsTTT on transcript NM_019892.6 (MANE Select); coding-DNA positions 401 to 403, GCA replaced by TTT.
Protein change: p.Ser134_Thr135delinsIleSer.
Molecular consequence: missense variant.
Genome position (GRCh38, 1-based): chr9:136,439,017-136,439,019, TGC replaced by AAA on the plus strand (GCA replaced by TTT on the coding strand, the reverse complement: INPP5E is on the minus strand). VCF-style: chr9-136439017-TGC-AAA. GRCh37 (hg19) VCF-style: chr9-139333469-TGC-AAA.
Other names: c.401_403delinsTTT, p.Ser134_Thr135delinsIleSer (NM_001318502.2).
Identifiers: ClinVar variation 4998648 (VCV004998648.1).

ClinVar aggregate classification (germline): Uncertain significance (1 of 4 stars; one submission).

Conditions:
INPP5E-related disorder. Also called: INPP5E-related condition.

Submission:

PreventionGenetics, part of Exact Sciences
Classification: Uncertain significance for INPP5E-related condition. Last evaluated: 2025-02-12. Review status: criteria provided, single submitter. Criteria: ACMG Guidelines, 2015. Collection method: clinical testing. Allele origin: germline.
Comment: The INPP5E c.401_403delinsTTT variant is predicted to result in an in-frame deletion and insertion. To our knowledge, this variant has not been reported in the literature or in a large population database (gnomAD), indicating this variant is rare. At this time, the clinical significance of this variant is uncertain due to the absence of conclusive functional and genetic evidence.